The following is an entry in ClinVar:

ClinVar aggregate classification (germline): Pathogenic (1 of 4 stars; one submission).

Submission:

Labcorp Genetics (formerly Invitae), Labcorp
Classification: Pathogenic. Last evaluated: 2024-03-15. Review status: criteria provided, single submitter. Criteria: Invitae Variant Classification Sherloc (09022015). Collection method: clinical testing. Allele origin: germline.
Comment: This sequence change creates a premature translational stop signal (p.Gln390*) in the FECH gene. While this is not anticipated to result in nonsense mediated decay, it is expected to disrupt the last 34 amino acid(s) of the FECH protein. This variant is not present in population databases (gnomAD no frequency). This variant has not been reported in the literature in individuals affected with FECH-related conditions. This variant disrupts a region of the FECH protein in which other variant(s) (p.Cys411Gly) have been determined to be pathogenic (PMID: 10942404, 16385445, 20105171, 33021473; Invitae). This suggests that this is a clinically significant region of the protein, and that variants that disrupt it are likely to be disease-causing. For these reasons, this variant has been classified as Pathogenic.

Literature cited by the submitters: PubMed 10942404; PubMed 16385445; PubMed 20105171; PubMed 33021473.

NM_000140.5(FECH):c.1168C>T (p.Gln390Ter)

Gene: FECH (ferrochelatase; minus strand). Cytogenetic location: 18q21.31.
Variant type: single nucleotide variant.
Coding change: c.1168C>T on transcript NM_000140.5 (MANE Select); coding-DNA position 1168, C replaced by T.
Protein change: p.Gln390Ter; replaces glutamine 390 with a stop codon.
Molecular consequence: nonsense.
Genome position (GRCh38, 1-based): chr18:57,550,816, G>A on the plus strand (C>T on the coding strand, the complement: FECH is on the minus strand). VCF-style: chr18-57550816-G-A. GRCh37 (hg19) VCF-style: chr18-55218048-G-A.
Other names: c.1186C>T, p.Gln396Ter (NM_001012515.4); c.1069C>T, p.Gln357Ter (NM_001371094.1); c.952C>T, p.Gln318Ter (NM_001371095.1); c.1108C>T, p.Gln370Ter (NM_001374778.1); short protein forms Q318*, Q396*, Q370*, Q357*, Q390*.
Identifiers: ClinVar variation 3645135 (VCV003645135.2).